The following is an entry in ClinVar:

NM_001377540.1(SLMAP):c.906del (p.Glu302fs)

Gene: SLMAP (sarcolemma associated protein; plus strand). Cytogenetic location: 3p14.3.
Variant type: Deletion.
Coding change: c.906del on transcript NM_001377540.1 (MANE Select); coding-DNA position 906, one base deleted (A; older notation c.906delA).
Protein change: p.Glu302fs; shifts the reading frame from glutamic acid 302.
Molecular consequence: frameshift variant. On other transcripts: non-coding transcript variant (1).
Genome position (GRCh38, 1-based): chr3:57,862,026, A deleted; the last of 2 consecutive A bases (chr3:57,862,025-57,862,026); deleting either gives the same sequence. VCF-style (leftmost placement, unchanged base first): chr3-57862024-GA-G. GRCh37 (hg19) VCF-style: chr3-57847751-GA-G.
Other names: c.906del, p.Glu302fs (NM_001377923.1, NM_001377924.1, NM_001377925.1 and 17 more transcripts); short protein forms E302fs.
Identifiers: ClinVar variation 3728060 (VCV003728060.2).

ClinVar aggregate classification (germline): Uncertain significance (1 of 4 stars; one submission).

Conditions:
Brugada syndrome. Also called: Sudden unexpected nocturnal death syndrome; Sudden unexplained nocturnal death syndrome; Sudden Unexplained Nocturnal Death Syndrome (SUNDS); Sudden Unexplained Death Syndrome. Identifiers: Orphanet 130, MedGen C1142166, MONDO:0015263.

Submission:

Labcorp Genetics (formerly Invitae), Labcorp
Classification: Uncertain significance for Brugada syndrome. Last evaluated: 2024-12-25. Review status: criteria provided, single submitter. Criteria: Invitae Variant Classification Sherloc (09022015). Collection method: clinical testing. Allele origin: germline.
Comment: This sequence change creates a premature translational stop signal (p.Glu302Aspfs*2) in the SLMAP gene. It is expected to result in an absent or disrupted protein product. However, the current clinical and genetic evidence is not sufficient to establish whether loss-of-function variants in SLMAP cause disease. This variant is not present in population databases (gnomAD no frequency). This variant has not been reported in the literature in individuals affected with SLMAP-related conditions. Algorithms developed to predict the effect of sequence changes on RNA splicing suggest that this variant may disrupt the consensus splice site. In summary, the available evidence is currently insufficient to determine the role of this variant in disease. Therefore, it has been classified as a Variant of Uncertain Significance.